The following is an entry in ClinVar:

ClinVar aggregate classification (germline): Pathogenic (1 of 4 stars; one submission).

Conditions:
Familial cancer of breast. Also called: hereditary breast carcinoma; BREAST CANCER, FAMILIAL; Hereditary breast cancer. Identifiers: Orphanet 227535, MedGen C0346153, MONDO:0016419, OMIM 114480. Disease mechanism: loss of function.

Submission:

Myriad Genetics, Inc.
Classification: Pathogenic for Familial cancer of breast. Last evaluated: 2024-01-26. Review status: criteria provided, single submitter. Criteria: Myriad Autosomal Dominant, Autosomal Recessive and X-Linked Classification Criteria (2023). Collection method: clinical testing. Allele origin: unknown.
Comment: This variant is considered pathogenic. This variant creates a frameshift predicted to result in premature protein truncation.

NM_000051.4(ATM):c.5770del (p.Ser1924fs)

Genes: ATM (ATM serine/threonine kinase; plus strand), C11orf65 (chromosome 11 open reading frame 65; minus strand). Cytogenetic location: 11q22.3.
Variant type: Deletion.
Coding change: c.5770del on transcript NM_000051.4 (MANE Select); coding-DNA position 5770, one base deleted (T; older notation c.5770delT).
Protein change: p.Ser1924fs; shifts the reading frame from serine 1924.
Molecular consequence: frameshift variant. On other transcripts: intron variant (2).
Genome position (GRCh38, 1-based): chr11:108,310,167, T deleted; the last of 2 consecutive T bases (chr11:108,310,166-108,310,167); deleting either gives the same sequence. VCF-style (leftmost placement, unchanged base first): chr11-108310165-CT-C. GRCh37 (hg19) VCF-style: chr11-108180892-CT-C.
Other names: c.5770del, p.Ser1924fs (NM_001351834.2); c.641-1095del (NM_001330368.2); c.*39-1095del (NM_001351110.2); short protein forms S1924fs.
Identifiers: ClinVar variation 3148260 (VCV003148260.1), dbSNP rs2547025965, ClinGen allele CA2825001919.